The following is an entry in ClinVar:

ClinVar aggregate classification (germline): Pathogenic/Likely pathogenic. Review status: criteria provided, multiple submitters, no conflicts (2 of 4 stars). 2 submissions from 2 submitters: Pathogenic (1); Likely pathogenic (1). Last evaluated 2025-01-01.

Conditions:
Mowat-Wilson syndrome (MOWS). Also called: Classic Mowat-Wilson Syndrome. Identifiers: Orphanet 2152, MedGen C1856113, MONDO:0009341, OMIM 235730.

Submissions (2):

Center of Human Genetics, Hôpital Erasme
Classification: Likely pathogenic for Mowat-Wilson syndrome. Last evaluated: 2025-01-01. Review status: criteria provided, single submitter. Criteria: ACMG Guidelines, 2015. Collection method: clinical testing. Allele origin: de novo. Affected: yes.

GeneDx
Classification: Pathogenic. Last evaluated: 2024-05-30. Review status: criteria provided, single submitter. Criteria: GeneDx Variant Classification Process June 2021. Collection method: clinical testing. Allele origin: germline. Affected: yes.
Comment: Canonical splice site variant predicted to result in a null allele in a gene for which loss of function is a known mechanism of disease; Not observed at significant frequency in large population cohorts (gnomAD); Has not been previously published as pathogenic or benign to our knowledge

NM_014795.4(ZEB2):c.73+2dup

Gene: ZEB2 (zinc finger E-box binding homeobox 2; minus strand). Cytogenetic location: 2q22.3.
Variant type: Duplication.
Coding change: c.73+2dup on transcript NM_014795.4 (MANE Select); the canonical splice donor site of the intron after coding-DNA position 73, one base duplicated (T; older notation c.73+2dupT).
Molecular consequence: splice donor variant.
Genome position (GRCh38, 1-based): chr2:144,517,276, A duplicated on the plus strand (T on the coding strand, the reverse complement: ZEB2 is on the minus strand). VCF-style (leftmost placement, unchanged base first): chr2-144517275-T-TA. GRCh37 (hg19) VCF-style: chr2-145274842-T-TA.
Other names: c.73+2dup (NM_001171653.2); c.73+2dupT (NM_014795.4).
Identifiers: ClinVar variation 3383496 (VCV003383496.2).